The following is an entry in ClinVar:

NM_198253.3(TERT):c.2342A>G (p.Gln781Arg)

Gene: TERT (telomerase reverse transcriptase; minus strand). Cytogenetic location: 5p15.33.
Variant type: single nucleotide variant.
Coding change: c.2342A>G on transcript NM_198253.3 (MANE Select); coding-DNA position 2342, A replaced by G.
Protein change: p.Gln781Arg; replaces glutamine 781 with arginine.
Molecular consequence: missense variant.
Genome position (GRCh38, 1-based): chr5:1,272,225, T>C on the plus strand (A>G on the coding strand, the complement: TERT is on the minus strand). VCF-style: chr5-1272225-T-C. GRCh37 (hg19) VCF-style: chr5-1272340-T-C.
Other names: c.2342A>G, p.Gln781Arg (NM_001193376.3); short protein forms Q781R.
Identifiers: ClinVar variation 5002469 (VCV005002469.1).
Genomic context (GRCh38, chr5:1,272,225, plus strand): 5'-CTGCAGGGCAGTGCCCAGACCTGCTCGATGACGACGGCATCCCTCAGCGGGCTGGTCTCC[T>C]GCAGGTGAGCCACGAACTGTCGCATGTACGGCTGGAGGTCTGTCAAGGTAGAGACCTGCC-3'
Protein context (NP_937983.2, residues 771-791): PYMRQFVAHL[Gln781Arg]ETSPLRDAVV

ClinVar aggregate classification (germline): Uncertain significance (1 of 4 stars; one submission).

Conditions:
TERT-related disorder. Also called: TERT-related disorders; TERT-related condition.

Submission:

PreventionGenetics, part of Exact Sciences
Classification: Uncertain significance for TERT-related condition. Last evaluated: 2025-05-19. Review status: criteria provided, single submitter. Criteria: ACMG Guidelines, 2015. Collection method: clinical testing. Allele origin: germline.
Comment: The TERT c.2342A>G variant is predicted to result in the amino acid substitution p.Gln781Arg. To our knowledge, this variant has not been reported in the literature or in a large population database (gnomAD), indicating this variant is rare. At this time, the clinical significance of this variant is uncertain due to the absence of conclusive functional and genetic evidence.